The following is an entry in ClinVar:

NM_000093.5(COL5A1):c.3812C>G (p.Pro1271Arg)

Gene: COL5A1 (collagen type V alpha 1 chain; plus strand). Cytogenetic location: 9q34.3.
Variant type: single nucleotide variant.
Coding change: c.3812C>G on transcript NM_000093.5 (MANE Select); coding-DNA position 3812, C replaced by G.
Protein change: p.Pro1271Arg; replaces proline 1271 with arginine.
Molecular consequence: missense variant.
Genome position (GRCh38, 1-based): chr9:134,812,672, C>G. VCF-style: chr9-134812672-C-G. GRCh37 (hg19) VCF-style: chr9-137704518-C-G.
Other names: c.3812C>G, p.Pro1271Arg (NM_001278074.1); short protein forms P1271R.
Identifiers: ClinVar variation 409116 (VCV000409116.10), dbSNP rs771146636, ClinGen allele CA16612801.
Genomic context (GRCh38, chr9:134,812,672, plus strand): 5'-CGGGTCCCCCTGGCCCCCGAGGACCCTCCGGAGCTCCAGGTGCTGATGGCCCACAAGGTC[C>G]CCCAGGTGGAATAGGAAACCCTGGTGCAGTGGGAGAGAAGGTGAGGCTCGTGCCTGCTCT-3'
Protein context (NP_000084.3, residues 1261-1281): GAPGADGPQG[Pro1271Arg]PGGIGNPGAV

ClinVar aggregate classification (germline): Uncertain significance (1 of 4 stars; one submission).

Conditions:
Ehlers-Danlos syndrome, classic type, 1 (EDSCL1). Also called: EHLERS-DANLOS SYNDROME, GRAVIS TYPE; EHLERS-DANLOS SYNDROME, SEVERE CLASSIC TYPE; Ehlers-Danlos Syndrome, Classic Type, COL5A1-Related; EDS I; Ehlers-Danlos syndrome, type 1. Identifiers: MedGen C0268335, MONDO:0019567, OMIM 130000.

Submission:

Labcorp Genetics (formerly Invitae), Labcorp
Classification: Uncertain significance for Ehlers-Danlos syndrome, classic type, 1. Last evaluated: 2016-07-04. Review status: criteria provided, single submitter. Criteria: Invitae Variant Classification Sherloc (09022015). Collection method: clinical testing. Allele origin: germline.
Comment: In summary, this variant is a novel missense change with uncertain impact on protein function. It has been classified as a Variant of Uncertain Significance. Algorithms developed to predict the effect of missense changes on protein structure and function do not agree on the potential impact of this missense change (SIFT: "Deleterious"; PolyPhen-2: "Probably Damaging"; Align-GVGD: "Class C0"). This variant is not present in population databases (ExAC no frequency) and has not been reported in the literature in individuals with a COL5A1-related disease. This sequence change replaces proline with arginine at codon 1271 of the COL5A1 protein (p.Pro1271Arg). The proline residue is highly conserved and there is a moderate physicochemical difference between proline and arginine.